The following is an entry in ClinVar:

ClinVar aggregate classification (germline): Uncertain significance (1 of 4 stars; one submission).

Conditions:
Hereditary sensory neuropathy-deafness-dementia syndrome. Also called: NEUROPATHY, HEREDITARY SENSORY, WITH HEARING LOSS AND DEMENTIA; Hereditary Sensory and Autonomic Neuropathy Type 1E (HSAN1E); Hereditary sensory neuropathy type IE; HSN IE. Identifiers: Orphanet 456318, MedGen C3279885, MONDO:0013584, OMIM 614116.

gnomAD v4.1: 1 of 1,613,986 alleles (0.000062%); highest among the groups gnomAD compares: South Asian, 0.0011%; no homozygotes.

Submission:

Labcorp Genetics (formerly Invitae), Labcorp
Classification: Uncertain significance for Hereditary sensory neuropathy-deafness-dementia syndrome. Last evaluated: 2022-06-20. Review status: criteria provided, single submitter. Criteria: Invitae Variant Classification Sherloc (09022015). Collection method: clinical testing. Allele origin: germline.
Comment: In summary, the available evidence is currently insufficient to determine the role of this variant in disease. Therefore, it has been classified as a Variant of Uncertain Significance. Algorithms developed to predict the effect of missense changes on protein structure and function are either unavailable or do not agree on the potential impact of this missense change (SIFT: "Deleterious"; PolyPhen-2: "Benign"; Align-GVGD: "Class C0"). ClinVar contains an entry for this variant (Variation ID: 1038053). This variant has not been reported in the literature in individuals affected with DNMT1-related conditions. This variant is not present in population databases (gnomAD no frequency). This sequence change replaces threonine, which is neutral and polar, with asparagine, which is neutral and polar, at codon 1371 of the DNMT1 protein (p.Thr1371Asn).

NM_001130823.3(DNMT1):c.4112C>A (p.Thr1371Asn)

Gene: DNMT1 (DNA methyltransferase 1; minus strand). Cytogenetic location: 19p13.2.
Variant type: single nucleotide variant.
Coding change: c.4112C>A on transcript NM_001130823.3 (MANE Select); coding-DNA position 4112, C replaced by A.
Protein change: p.Thr1371Asn; replaces threonine 1371 with asparagine.
Molecular consequence: missense variant.
Genome position (GRCh38, 1-based): chr19:10,138,442, G>T on the plus strand (C>A on the coding strand, the complement: DNMT1 is on the minus strand). VCF-style: chr19-10138442-G-T. GRCh37 (hg19) VCF-style: chr19-10249118-G-T.
Other names: c.4064C>A, p.Thr1355Asn (NM_001318730.2, NM_001379.4); c.3749C>A, p.Thr1250Asn (NM_001318731.2); short protein forms T1371N, T1250N, T1355N.
Identifiers: ClinVar variation 1038053 (VCV001038053.8), dbSNP rs2089535931, ClinGen allele CA403970767.